The following is an entry in ClinVar:

ClinVar aggregate classification (germline): Benign/Likely benign. Review status: criteria provided, multiple submitters, no conflicts (2 of 4 stars). 3 submissions from 3 submitters: Benign (1); Likely benign (2). Last evaluated 2025-04-08.

Conditions:
Hereditary cancer-predisposing syndrome. Also called: Tumor predisposition; Hereditary Cancer Syndrome; Neoplastic Syndromes, Hereditary; Hereditary neoplastic syndrome. Identifiers: Orphanet 140162, MedGen C0027672, MeSH D009386, MONDO:0015356.
Tuberous sclerosis 1 (TSC1). Identifiers: Orphanet 805, MedGen C1854465, MONDO:0008612, OMIM 191100.

Allele frequency attached by ClinVar (database versions not stated): gnomAD exomes 0.00001 and below 0.00001.
gnomAD v4.1: 5 of 1,614,130 alleles (0.00031%); highest among the groups gnomAD compares: East Asian, 0.011%; no homozygotes.

Submissions (3):

Myriad Genetics, Inc.
Classification: Benign for Tuberous sclerosis 1. Last evaluated: 2025-04-08. Review status: criteria provided, single submitter. Criteria: Myriad Autosomal Dominant, Autosomal Recessive and X-Linked Classification Criteria (2023). Collection method: clinical testing. Allele origin: unknown.
Comment: This variant is considered benign. This variant is a silent/synonymous amino acid change and it is not expected to impact splicing.

Ambry Genetics
Classification: Likely benign for Hereditary cancer-predisposing syndrome. Last evaluated: 2024-04-19. Review status: criteria provided, single submitter. Criteria: Ambry Variant Classification Scheme 2023. Collection method: clinical testing. Allele origin: germline.

Labcorp Genetics (formerly Invitae), Labcorp
Classification: Likely benign for Tuberous sclerosis 1. Last evaluated: 2020-12-11. Review status: criteria provided, single submitter. Criteria: Invitae Variant Classification Sherloc (09022015). Collection method: clinical testing. Allele origin: germline.

NM_000368.5(TSC1):c.432A>C (p.Pro144=)

Gene: TSC1 (TSC complex subunit 1; minus strand). Cytogenetic location: 9q34.13.
Variant type: single nucleotide variant.
Coding change: c.432A>C on transcript NM_000368.5 (MANE Select); coding-DNA position 432, A replaced by C.
Protein change: p.Pro144=; no amino-acid change (proline 144 retained).
Molecular consequence: synonymous variant.
Genome position (GRCh38, 1-based): chr9:132,923,424, T>G on the plus strand (A>C on the coding strand, the complement: TSC1 is on the minus strand). VCF-style: chr9-132923424-T-G. GRCh37 (hg19) VCF-style: chr9-135798811-T-G.
Other names: c.432A>C, p.Pro144= (NM_001162426.2); c.279A>C, p.Pro93= (NM_001162427.2); c.69A>C, p.Pro23= (NM_001362177.2).
Identifiers: ClinVar variation 757942 (VCV000757942.12), dbSNP rs1366888701, ClinGen allele CA467593974.
Genomic context (GRCh38, chr9:132,923,424, plus strand): 5'-CCATGATGACAGACGGCCAAAAATGTCAAAGAAATCAAGAAGATGCTGTTTCCCAGACTG[T>G]GGAATCATTGGTAGCATGGTTATCAACACCAAGACGCCTGTTGTGAGGACAACGACGTCA-3'
Protein context (NP_000359.1, residues 134-154): LVLITMLPMI[Pro144=]QSGKQHLLDF